The following is an entry in ClinVar:

NM_000465.4(BARD1):c.1270A>G (p.Arg424Gly)

Gene: BARD1 (BRCA1 associated RING domain 1; minus strand). Cytogenetic location: 2q35.
Variant type: single nucleotide variant.
Coding change: c.1270A>G on transcript NM_000465.4 (MANE Select); coding-DNA position 1270, A replaced by G.
Protein change: p.Arg424Gly; replaces arginine 424 with glycine.
Molecular consequence: missense variant. On other transcripts: non-coding transcript variant (2), intron variant (3).
Genome position (GRCh38, 1-based): chr2:214,780,604, T>C on the plus strand (A>G on the coding strand, the complement: BARD1 is on the minus strand). VCF-style: chr2-214780604-T-C. GRCh37 (hg19) VCF-style: chr2-215645328-T-C.
Other names: c.1213A>G, p.Arg405Gly (NM_001282543.2); c.159-28049A>G (NM_001282548.2); c.215+16457A>G (NM_001282545.2); c.364+11693A>G (NM_001282549.2); short protein forms R424G, R405G.
Identifiers: ClinVar variation 479125 (VCV000479125.21), dbSNP rs1553622123, ClinGen allele CA350453467.

ClinVar aggregate classification (germline): Uncertain significance. Review status: criteria provided, multiple submitters, no conflicts (2 of 4 stars). 7 submissions from 7 submitters: Uncertain significance (7). Last evaluated 2026-07-10.

Conditions:
Familial cancer of breast. Also called: BREAST CANCER, FAMILIAL; Hereditary breast cancer; hereditary breast carcinoma. Identifiers: Orphanet 227535, MedGen C0346153, MONDO:0016419, OMIM 114480. Disease mechanism: loss of function.
Hereditary cancer-predisposing syndrome. Also called: Neoplastic Syndromes, Hereditary; Hereditary Cancer Syndrome; Hereditary neoplastic syndrome; Tumor predisposition. Identifiers: Orphanet 140162, MedGen C0027672, MeSH D009386, MONDO:0015356.
BARD1-related cancer predisposition. Identifiers: MedGen CN377756, MONDO:0700267.

gnomAD v4.1: 3 of 1,614,066 alleles (0.00019%); highest among the groups gnomAD compares: East Asian, 0.0045%; no homozygotes.

Submissions (7):

Institute for Biomarker Research, Medical Diagnostic Laboratories, L.L.C.
Classification: Uncertain significance for Hereditary cancer-predisposing syndrome. Last evaluated: 2026-07-10. Review status: criteria provided, single submitter. Criteria: ACMG Guidelines, 2015. Collection method: clinical testing. Allele origin: germline.
Comment: The missense variant NM_000465.4(BARD1):c.1270A>G (p.Arg424Gly) is not currently classified as pathogenic or benign in clinical sources (Accession: VCV000479125.20). The p.Arg424Gly variant is novel (not in any individuals) in gnomAD All. The p.Arg424Gly variant is novel (not in any individuals) in 1kG All. There is a moderate physicochemical difference between arginine and glycine. The p.Arg424Gly missense variant is predicted to be damaging by both SIFT and PolyPhen2. The nucleotide c.1270 in BARD1 is predicted conserved by GERP++ and PhyloP across 100 vertebrates. For these reasons, this variant has been classified as Uncertain Significance.

Labcorp Genetics (formerly Invitae), Labcorp
Classification: Uncertain significance for Familial cancer of breast. Last evaluated: 2025-01-28. Review status: criteria provided, single submitter. Criteria: Invitae Variant Classification Sherloc (09022015). Collection method: clinical testing. Allele origin: germline.
Comment: This sequence change replaces arginine, which is basic and polar, with glycine, which is neutral and non-polar, at codon 424 of the BARD1 protein (p.Arg424Gly). This variant is not present in population databases (gnomAD no frequency). This variant has not been reported in the literature in individuals affected with BARD1-related conditions. ClinVar contains an entry for this variant (Variation ID: 479125). An algorithm developed to predict the effect of missense changes on protein structure and function (PolyPhen-2) suggests that this variant is likely to be disruptive. In summary, the available evidence is currently insufficient to determine the role of this variant in disease. Therefore, it has been classified as a Variant of Uncertain Significance.

Ambry Genetics
Classification: Uncertain significance for Hereditary cancer-predisposing syndrome. Last evaluated: 2024-07-28. Review status: criteria provided, single submitter. Criteria: Ambry Variant Classification Scheme 2023. Collection method: clinical testing. Allele origin: germline.
Comment: The p.R424G variant (also known as c.1270A>G), located in coding exon 4 of the BARD1 gene, results from an A to G substitution at nucleotide position 1270. The arginine at codon 424 is replaced by glycine, an amino acid with dissimilar properties. This amino acid position is highly conserved in available vertebrate species. In addition, the in silico prediction for this alteration is inconclusive. Since supporting evidence is limited at this time, the clinical significance of this alteration remains unclear.

Department of Pathology and Laboratory Medicine, Sinai Health System
Classification: Uncertain significance for BARD1-related cancer predisposition. Last evaluated: 2024-06-24. Review status: criteria provided, single submitter. Criteria: ACMG Guidelines, 2015. Collection method: clinical testing. Allele origin: germline.

Color Diagnostics, LLC DBA Color Health
Classification: Uncertain significance for Hereditary cancer-predisposing syndrome. Last evaluated: 2024-03-06. Review status: criteria provided, single submitter. Criteria: ACMG Guidelines, 2015. Collection method: clinical testing. Allele origin: germline.
Comment: This missense variant replaces arginine with glycine at codon 424 of the BARD1 protein. Computational prediction suggests that this variant may not impact protein structure and function (internally defined REVEL score threshold <= 0.5, PMID: 27666373). To our knowledge, functional studies have not been reported for this variant. This variant has not been reported in individuals affected with hereditary cancer in the literature. This variant has not been identified in the general population by the Genome Aggregation Database (gnomAD). The available evidence is insufficient to determine the role of this variant in disease conclusively. Therefore, this variant is classified as a Variant of Uncertain Significance.

Women's Health and Genetics/Laboratory Corporation of America, LabCorp
Classification: Uncertain significance. Last evaluated: 2023-03-11. Review status: criteria provided, single submitter. Criteria: LabCorp Variant Classification Summary - May 2015. Collection method: clinical testing. Allele origin: germline.

GeneDx
Classification: Uncertain significance. Last evaluated: 2023-02-06. Review status: criteria provided, single submitter. Criteria: GeneDx Variant Classification Process June 2021. Collection method: clinical testing. Allele origin: germline. Affected: yes.
Comment: Not observed at significant frequency in large population cohorts (gnomAD); In silico analysis supports that this missense variant has a deleterious effect on protein structure/function; Has not been previously published as pathogenic or benign to our knowledge